The following is an entry in ClinVar:

NM_176787.5(PIGN):c.1617T>A (p.Tyr539Ter)

Gene: PIGN (phosphatidylinositol glycan anchor biosynthesis class N; minus strand). Cytogenetic location: 18q21.33.
Variant type: single nucleotide variant.
Coding change: c.1617T>A on transcript NM_176787.5 (MANE Select); coding-DNA position 1617, T replaced by A.
Protein change: p.Tyr539Ter; replaces tyrosine 539 with a stop codon.
Molecular consequence: nonsense.
Genome position (GRCh38, 1-based): chr18:62,107,043, A>T on the plus strand (T>A on the coding strand, the complement: PIGN is on the minus strand). VCF-style: chr18-62107043-A-T. GRCh37 (hg19) VCF-style: chr18-59774276-A-T.
Other names: c.1617T>A, p.Tyr539Ter (NM_012327.6); short protein forms Y539*.
Identifiers: ClinVar variation 2713497 (VCV002713497.3), dbSNP rs147306123, ClinGen allele CA402605243.

ClinVar aggregate classification (germline): Pathogenic (1 of 4 stars; one submission).

Conditions:
Multiple congenital anomalies-hypotonia-seizures syndrome 1 (MCAHS1). Also called: GLYCOSYLPHOSPHATIDYLINOSITOL BIOSYNTHESIS DEFECT 3; PIGN-CDG; Congenital disorder of glycosylation due to PIGN deficiency. Identifiers: Orphanet 280633, MedGen C3279775, MONDO:0013563, OMIM 614080.

Submission:

Labcorp Genetics (formerly Invitae), Labcorp
Classification: Pathogenic for Multiple congenital anomalies-hypotonia-seizures syndrome 1. Last evaluated: 2024-01-27. Review status: criteria provided, single submitter. Criteria: Invitae Variant Classification Sherloc (09022015). Collection method: clinical testing. Allele origin: germline.
Comment: This sequence change creates a premature translational stop signal (p.Tyr539*) in the PIGN gene. It is expected to result in an absent or disrupted protein product. Loss-of-function variants in PIGN are known to be pathogenic (PMID: 24253414, 27038415). This variant is not present in population databases (gnomAD no frequency). This variant has not been reported in the literature in individuals affected with PIGN-related conditions. Algorithms developed to predict the effect of sequence changes on RNA splicing suggest that this variant may disrupt the consensus splice site. For these reasons, this variant has been classified as Pathogenic.

Literature cited by the submitters: PubMed 24253414; PubMed 27038415.